The following is an entry in ClinVar:

NM_001267550.2(TTN):c.103659AGA[2] (p.Glu34555del)

Genes: TTN (titin; minus strand), TTN-AS1 (TTN antisense RNA 1; plus strand). Cytogenetic location: 2q31.2.
Variant type: Microsatellite.
Coding change: c.103659AGA[2] on transcript NM_001267550.2 (MANE Select); two copies in a row of the 3-base unit AGA starting at c.103659; the reference has three copies in a row; one copy, 3 bases deleted.
Protein change: p.Glu34555del; deletes glutamic acid 34555.
Molecular consequence: inframe deletion.
Genome position (GRCh38, 1-based): chr2:178,532,948-178,532,950, TCT deleted on the plus strand (AGA on the coding strand, the reverse complement: TTN is on the minus strand); deleting any 3 consecutive bases within chr2:178,532,948-178,532,956 gives the same sequence; the position shown is the placement nearest the transcript's 3' end. VCF-style (leftmost placement, unchanged base first): chr2-178532947-GTCT-G. GRCh37 (hg19) VCF-style: chr2-179397674-GTCT-G.
Other names: c.103665_103667delAGA (NM_001267550.2); c.76470_76472delAGA (NM_003319.4); c.95961_95963del (NM_133378.4); c.98736AGA[2], p.Glu32914del (NM_001256850.1); c.76464AGA[2], p.Glu25490del (NM_003319.4); c.95955AGA[2], p.Glu31987del (NM_133378.4); c.76839AGA[2], p.Glu25615del (NM_133432.3); c.77040AGA[2], p.Glu25682del (NM_133437.4); and 2 more; short protein forms E34555del, E25490del, E32914del, E25615del, E31987del, E25682del.
Identifiers: ClinVar variation 466718 (VCV000466718.12), dbSNP rs759860918, ClinGen allele CA1985565.
Genomic context (GRCh38, chr2:178,532,947, plus strand): 5'-ATCACGTATCTTTTTATACCACTTCATGTCAGACATGGGCACGAACTGCTTGATGCGTTG[GTCT>G]TCTTCTATGGTAGTCTGCTTATACTTGCGTGGCTCTGGTACATCATAAGGCATCCGGAGT-3'

ClinVar aggregate classification (germline): Conflicting classifications of pathogenicity. Review status: criteria provided, conflicting classifications (1 of 4 stars). 6 submissions from 6 submitters: Uncertain significance (5); Likely benign (1). Last evaluated 2025-03-11.

Conditions:
Cardiovascular phenotype. Identifiers: MedGen CN230736.
TTN-related disorder. Also called: TTN-related condition; TTN-related disease; TTN-related disorders.
Autosomal recessive limb-girdle muscular dystrophy type 2J (LGMDR10). Also called: Limb-girdle muscular dystrophy, type 2J; MUSCULAR DYSTROPHY, LIMB-GIRDLE, AUTOSOMAL RECESSIVE 10. Identifiers: Orphanet 140922, MedGen C1837342, MONDO:0012127, OMIM 608807.
Dilated cardiomyopathy 1G (CMD1G). Identifiers: Orphanet 154, MedGen C1858763, MONDO:0011400, OMIM 604145.

Submissions (6):

PreventionGenetics, part of Exact Sciences
Classification: Uncertain significance for TTN-related condition. Last evaluated: 2025-03-11. Review status: criteria provided, single submitter. Criteria: ACMG Guidelines, 2015. Collection method: clinical testing. Allele origin: germline.
Comment: The TTN c.103665_103667delAGA variant is predicted to result in an in-frame deletion (p.Glu34555del). To our knowledge, this variant has not been reported in the literature. This variant is reported in 0.0065% of alleles in individuals of African descent in gnomAD. At this time, the clinical significance of this variant is uncertain due to the absence of conclusive functional and genetic evidence.

Ambry Genetics
Classification: Uncertain significance for Cardiovascular phenotype. Last evaluated: 2024-12-24. Review status: criteria provided, single submitter. Criteria: Ambry Variant Classification Scheme 2023. Collection method: clinical testing. Allele origin: germline.
Comment: The c.76470_76472delAGA variant (also known as p.E25490del) is located in coding exon 185 of the TTN gene. This variant results from an in-frame AGA deletion at nucleotide positions 76470 to 76472. This results in the in-frame deletion of a glutamic acid at codon 25490. This amino acid position is highly conserved in available vertebrate species. In addition, this alteration is predicted to be deleterious by in silico analysis (Choi Y et al. PLoS ONE. 2012; 7(10):e46688). Since supporting evidence is limited at this time, the clinical significance of this alteration remains unclear.

Revvity Omics, Revvity
Classification: Uncertain significance. Last evaluated: 2023-10-20. Review status: criteria provided, single submitter. Criteria: ACMG Guidelines, 2015. Collection method: clinical testing. Allele origin: germline.

GeneDx
Classification: Likely benign. Last evaluated: 2021-06-04. Review status: criteria provided, single submitter. Criteria: GeneDx Variant Classification Process June 2021. Collection method: clinical testing. Allele origin: germline. Affected: yes.
Comment: This variant is associated with the following publications: (PMID: 27535533)

Women's Health and Genetics/Laboratory Corporation of America, LabCorp
Classification: Uncertain significance. Last evaluated: 2021-03-01. Review status: criteria provided, single submitter. Criteria: LabCorp Variant Classification Summary - May 2015. Collection method: clinical testing. Allele origin: germline.
Comment: Variant summary: TTN c.95961_95963delAGA (p.Glu31987del) results in an in-frame deletion that is predicted to remove one amino acid from the encoded protein. The variant allele was found at a frequency of 3.2e-05 in 249002 control chromosomes. The available data on variant occurrences in the general population are insufficient to allow any conclusion about variant significance. To our knowledge, no occurrence of c.95961_95963delAGA in individuals affected with Dilated Cardiomyopathy and no experimental evidence demonstrating its impact on protein function have been reported. One clinical diagnostic laboratory has submitted clinical-significance assessments for this variant to ClinVar after 2014 without evidence for independent evaluation and classified the variant as uncertain significance. Based on the evidence outlined above, the variant was classified as uncertain significance.

Labcorp Genetics (formerly Invitae), Labcorp
Classification: Uncertain significance for Dilated cardiomyopathy 1G; Autosomal recessive limb-girdle muscular dystrophy type 2J. Last evaluated: 2017-08-04. Review status: criteria provided, single submitter. Criteria: Invitae Variant Classification Sherloc (09022015). Collection method: clinical testing. Allele origin: germline.